The following is an entry in ClinVar:

NM_025257.3(SLC44A4):c.1603C>T (p.Arg535Cys)

Gene: SLC44A4 (solute carrier family 44 member 4; minus strand). Cytogenetic location: 6p21.33.
Variant type: single nucleotide variant.
Coding change: c.1603C>T on transcript NM_025257.3 (MANE Select); coding-DNA position 1603, C replaced by T.
Protein change: p.Arg535Cys; replaces arginine 535 with cysteine.
Molecular consequence: missense variant.
Genome position (GRCh38, 1-based): chr6:31,865,581, G>A on the plus strand (C>T on the coding strand, the complement: SLC44A4 is on the minus strand). VCF-style: chr6-31865581-G-A. GRCh37 (hg19) VCF-style: chr6-31833358-G-A.
Other names: c.1477C>T, p.Arg493Cys (NM_001178044.2); c.1375C>T, p.Arg459Cys (NM_001178045.2); c.1603C>T, p.Arg535Cys (NM_032794.1); short protein forms R459C, R493C, R535C.
Identifiers: ClinVar variation 2888560 (VCV002888560.3), dbSNP rs754945392, ClinGen allele CA3725350.

ClinVar aggregate classification (germline): Uncertain significance (1 of 4 stars; one submission).

Allele frequency attached by ClinVar (database versions not stated): TOPMed 0.00002; ExAC 0.00002; gnomAD 0.00003.
gnomAD v4.1: 16 of 1,600,940 alleles (0.001%); highest among the groups gnomAD compares: African/African-American, 0.0054%; no homozygotes.

Submission:

Labcorp Genetics (formerly Invitae), Labcorp
Classification: Uncertain significance. Last evaluated: 2023-11-27. Review status: criteria provided, single submitter. Criteria: Invitae Variant Classification Sherloc (09022015). Collection method: clinical testing. Allele origin: germline.
Comment: This sequence change replaces arginine, which is basic and polar, with cysteine, which is neutral and slightly polar, at codon 535 of the SLC44A4 protein (p.Arg535Cys). This variant is present in population databases (rs754945392, gnomAD 0.01%). This variant has not been reported in the literature in individuals affected with SLC44A4-related conditions. Advanced modeling of protein sequence and biophysical properties (such as structural, functional, and spatial information, amino acid conservation, physicochemical variation, residue mobility, and thermodynamic stability) performed at Invitae indicates that this missense variant is not expected to disrupt SLC44A4 protein function with a negative predictive value of 80%. In summary, the available evidence is currently insufficient to determine the role of this variant in disease. Therefore, it has been classified as a Variant of Uncertain Significance.